The following is an entry in ClinVar:

NC_000011.9:g.(?_5246693)_(5246957_5247806)del

Gene: HBB (hemoglobin subunit beta; minus strand). Cytogenetic location: 11p15.4.
Variant type: Deletion.
Identifiers: ClinVar variation 3068890 (VCV003068890.1).

ClinVar aggregate classification (germline): Pathogenic (1 of 4 stars; one submission).

Conditions:
beta Thalassemia (BTHAL). Also called: Cooley's anemia; Erythroblastic anemia; Mediterranean anemia. Identifiers: Orphanet 848, MedGen C0005283, MONDO:0019402. Disease mechanism: loss of function.

Submission:

Women's Health and Genetics/Laboratory Corporation of America, LabCorp
Classification: Pathogenic for beta Thalassemia. Last evaluated: 2024-02-05. Review status: criteria provided, single submitter. Criteria: LabCorp Variant Classification Summary - May 2015. Collection method: clinical testing. Allele origin: germline.
Comment: Variant summary: The variant involves the deletion of exons 3 in the HBB gene. A presumed nomenclature of c.(315+1_316-1)_(*135_?)del has been designated for the purposes of this classification. The exact breakpoint at the distal 3' end of this variant is unknown, therefore this deletion may extend downstream of the annotated region of the gene. As it encompasses the termination codon, it is predicted to escape nonsense mediated decay (NMD). The variant was absent in 120336 control chromosomes in the gnomAD database (Structural Variants v4.0 dataset). An exon 3 deletion variant, commonly referred to as the 619 bp deletion (Asian Indian deletion), has been reported in the literature in multiple individuals affected with Beta Thalassemia (e.g. Orkin_1979, Baysal_1994). These data indicate that the variant is very likely to be associated with disease. To our knowledge, no experimental evidence demonstrating an impact on protein function has been reported. ClinVar contains an entry for this variant (Variation ID: 660167). Based on the evidence outlined above, the variant was classified as pathogenic.

Literature cited by the submitters: PubMed 7928376; PubMed 287080.